The following is an entry in ClinVar:

NM_000492.4(CFTR):c.449T>G (p.Met150Arg)

Gene: CFTR (CF transmembrane conductance regulator; plus strand). Cytogenetic location: 7q31.2.
Variant type: single nucleotide variant.
Coding change: c.449T>G on transcript NM_000492.4 (MANE Select); coding-DNA position 449, T replaced by G.
Protein change: p.Met150Arg; replaces methionine 150 with arginine.
Molecular consequence: missense variant.
Genome position (GRCh38, 1-based): chr7:117,531,074, T>G. VCF-style: chr7-117531074-T-G. GRCh37 (hg19) VCF-style: chr7-117171128-T-G.
Other names: short protein forms M150R.
Identifiers: ClinVar variation 618958 (VCV000618958.3), dbSNP rs1562889397, ClinGen allele CA368974947.

ClinVar aggregate classification (germline): Uncertain significance. Review status: criteria provided, multiple submitters, no conflicts (2 of 4 stars). 2 submissions from 2 submitters: Uncertain significance (2). Last evaluated 2022-09-05.

Conditions:
Cystic fibrosis (CF). Also called: MUCOVISCIDOSIS. Identifiers: Orphanet 586, MedGen C0010674, MONDO:0009061, OMIM 219700. Disease mechanism: loss of function.

Submissions (2):

Institute of Human Genetics, University of Leipzig Medical Center
Classification: Uncertain significance for Cystic fibrosis. Last evaluated: 2022-09-05. Review status: criteria provided, single submitter. Criteria: ACMG Guidelines, 2015. Collection method: curation. Allele origin: unknown. Affected: yes. Observed: 1 variant allele.
Comment: The variant was classified in the context of a project re-classifying variants in the German Cystic Fibrosis Registry (Muko.e.V.). Criteria applied: PM2_SUP, PM5, PP3

Mendelics
Classification: Uncertain significance for Cystic fibrosis. Last evaluated: 2018-11-05. Review status: criteria provided, single submitter. Criteria: Mendelics Assertion Criteria 2017. Collection method: clinical testing. Allele origin: unknown. Affected: yes.